The following is an entry in ClinVar:

ClinVar aggregate classification (germline): Uncertain significance (1 of 4 stars; one submission).

Submission:

Labcorp Genetics (formerly Invitae), Labcorp
Classification: Uncertain significance. Last evaluated: 2024-07-23. Review status: criteria provided, single submitter. Criteria: Invitae Variant Classification Sherloc (09022015). Collection method: clinical testing. Allele origin: germline.
Comment: This sequence change replaces aspartic acid, which is acidic and polar, with glycine, which is neutral and non-polar, at codon 1142 of the KMT2B protein (p.Asp1142Gly). This variant is not present in population databases (gnomAD no frequency). This variant has not been reported in the literature in individuals affected with KMT2B-related conditions. Advanced modeling of protein sequence and biophysical properties (such as structural, functional, and spatial information, amino acid conservation, physicochemical variation, residue mobility, and thermodynamic stability) performed at Invitae indicates that this missense variant is not expected to disrupt KMT2B protein function with a negative predictive value of 95%. In summary, the available evidence is currently insufficient to determine the role of this variant in disease. Therefore, it has been classified as a Variant of Uncertain Significance.

NM_014727.3(KMT2B):c.3425A>G (p.Asp1142Gly)

Gene: KMT2B (lysine methyltransferase 2B; plus strand). Cytogenetic location: 19q13.12.
Variant type: single nucleotide variant.
Coding change: c.3425A>G on transcript NM_014727.3 (MANE Select); coding-DNA position 3425, A replaced by G.
Protein change: p.Asp1142Gly; replaces aspartic acid 1142 with glycine.
Molecular consequence: missense variant.
Genome position (GRCh38, 1-based): chr19:35,724,727, A>G. VCF-style: chr19-35724727-A-G. GRCh37 (hg19) VCF-style: chr19-36215628-A-G.
Other names: short protein forms D1142G.
Identifiers: ClinVar variation 3608085 (VCV003608085.2).